The following is an entry in ClinVar:

NM_001963.6(EGF):c.2608+5G>A

Gene: EGF (epidermal growth factor; plus strand). Cytogenetic location: 4q25.
Variant type: single nucleotide variant.
Coding change: c.2608+5G>A on transcript NM_001963.6 (MANE Select); 5 bases into the intron after coding-DNA position 2608, G replaced by A.
Molecular consequence: intron variant.
Genome position (GRCh38, 1-based): chr4:109,987,865, G>A. VCF-style: chr4-109987865-G-A. GRCh37 (hg19) VCF-style: chr4-110909021-G-A.
Other names: c.2608+5G>A (NM_001178130.3); c.2482+5G>A (NM_001178131.3); c.2365+4324G>A (NM_001357021.2).
Identifiers: ClinVar variation 2909536 (VCV002909536.3), dbSNP rs1750367625, ClinGen allele CA1484819805.

ClinVar aggregate classification (germline): Uncertain significance (1 of 4 stars; one submission).

Allele frequency attached by ClinVar (database versions not stated): gnomAD exomes below 0.00001; TOPMed 0.00001.

Submission:

Labcorp Genetics (formerly Invitae), Labcorp
Classification: Uncertain significance. Last evaluated: 2023-08-19. Review status: criteria provided, single submitter. Criteria: Invitae Variant Classification Sherloc (09022015). Collection method: clinical testing. Allele origin: germline.
Comment: In summary, the available evidence is currently insufficient to determine the role of this variant in disease. Therefore, it has been classified as a Variant of Uncertain Significance. Variants that disrupt the consensus splice site are a relatively common cause of aberrant splicing (PMID: 17576681, 9536098). Algorithms developed to predict the effect of sequence changes on RNA splicing suggest that this variant may disrupt the consensus splice site. This variant has not been reported in the literature in individuals affected with EGF-related conditions. This variant is not present in population databases (gnomAD no frequency). This sequence change falls in intron 17 of the EGF gene. It does not directly change the encoded amino acid sequence of the EGF protein. It affects a nucleotide within the consensus splice site.

Literature cited by the submitters: PubMed 17576681; PubMed 9536098.